The following is an entry in ClinVar:

NC_000018.9:g.(?_59805456)_(59806328_?)del

Gene: PIGN (phosphatidylinositol glycan anchor biosynthesis class N; minus strand). Cytogenetic location: 18q21.33.
Variant type: Deletion.
Identifiers: ClinVar variation 2427547 (VCV002427547.3).

ClinVar aggregate classification (germline): Pathogenic (1 of 4 stars; one submission).

Conditions:
Multiple congenital anomalies-hypotonia-seizures syndrome 1 (MCAHS1). Also called: PIGN-CDG; Congenital disorder of glycosylation due to PIGN deficiency; GLYCOSYLPHOSPHATIDYLINOSITOL BIOSYNTHESIS DEFECT 3. Identifiers: Orphanet 280633, MedGen C3279775, MONDO:0013563, OMIM 614080.

Submission:

Labcorp Genetics (formerly Invitae), Labcorp
Classification: Pathogenic for Multiple congenital anomalies-hypotonia-seizures syndrome 1. Last evaluated: 2021-03-20. Review status: criteria provided, single submitter. Criteria: Invitae Variant Classification Sherloc (09022015). Collection method: clinical testing. Allele origin: germline.
Comment: This variant is an out-of-frame deletion of the genomic region encompassing exon(s) 13-14 of the PIGN gene. This is expected to create a premature translational stop signal and result in an absent or disrupted protein product. This variant has not been reported in the literature in individuals with PIGN-related conditions. Loss-of-function variants in PIGN are known to be pathogenic (PMID: 24253414, 27038415). For these reasons, this variant has been classified as Pathogenic.

Literature cited by the submitters: PubMed 24253414; PubMed 27038415.